The following is an entry in ClinVar:

NM_198253.3(TERT):c.2030G>A (p.Gly677Asp)

Gene: TERT (telomerase reverse transcriptase; minus strand). Cytogenetic location: 5p15.33.
Variant type: single nucleotide variant.
Coding change: c.2030G>A on transcript NM_198253.3 (MANE Select); coding-DNA position 2030, G replaced by A.
Protein change: p.Gly677Asp; replaces glycine 677 with aspartic acid.
Molecular consequence: missense variant. On other transcripts: non-coding transcript variant (2).
Genome position (GRCh38, 1-based): chr5:1,279,391, C>T on the plus strand (G>A on the coding strand, the complement: TERT is on the minus strand). VCF-style: chr5-1279391-C-T. GRCh37 (hg19) VCF-style: chr5-1279506-C-T.
Other names: c.2030G>A, p.Gly677Asp (NM_001193376.3); short protein forms G677D.
Identifiers: ClinVar variation 3340812 (VCV003340812.1).

ClinVar aggregate classification (germline): Uncertain significance (1 of 4 stars; one submission).

Submission:

GeneDx
Classification: Uncertain significance. Last evaluated: 2023-12-19. Review status: criteria provided, single submitter. Criteria: GeneDx Variant Classification Process June 2021. Collection method: clinical testing. Allele origin: germline. Affected: yes.
Comment: Not observed at significant frequency in large population cohorts (gnomAD); In silico analysis supports that this missense variant has a deleterious effect on protein structure/function; This variant is associated with the following publications: (PMID: 29976374)